The following is an entry in ClinVar:

NM_018714.3(COG1):c.148C>T (p.Gln50Ter)

Genes: COG1 (component of oligomeric golgi complex 1; plus strand), LOC130061576 (ATAC-STARR-seq lymphoblastoid active region 12690; plus strand). Cytogenetic location: 17q25.1.
Variant type: single nucleotide variant.
Coding change: c.148C>T on transcript NM_018714.3 (MANE Select); coding-DNA position 148, C replaced by T.
Protein change: p.Gln50Ter; replaces glutamine 50 with a stop codon.
Molecular consequence: nonsense.
Genome position (GRCh38, 1-based): chr17:73,193,217, C>T. VCF-style: chr17-73193217-C-T. GRCh37 (hg19) VCF-style: chr17-71189356-C-T.
Other names: short protein forms Q50*.
Identifiers: ClinVar variation 1993367 (VCV001993367.4), dbSNP rs758521897, ClinGen allele CA8739894.

ClinVar aggregate classification (germline): Pathogenic (1 of 4 stars; one submission).

Conditions:
COG1 congenital disorder of glycosylation (CDG2G). Also called: CONGENITAL DISORDER OF GLYCOSYLATION, TYPE IIg; CDG IIg; CDGII/COG1 CEREBROCOSTOMANDIBULAR-LIKE SYNDROME. Identifiers: Orphanet 263508, MedGen C2931011, MONDO:0012637, OMIM 611209.

Allele frequency attached by ClinVar (database versions not stated): gnomAD exomes below 0.00001; ExAC 0.00001.
gnomAD v4.1: 1 of 1,608,998 alleles (0.000062%); highest among the groups gnomAD compares: Admixed American, 0.0017%; no homozygotes.

Submission:

Labcorp Genetics (formerly Invitae), Labcorp
Classification: Pathogenic for COG1 congenital disorder of glycosylation. Last evaluated: 2023-07-21. Review status: criteria provided, single submitter. Criteria: Invitae Variant Classification Sherloc (09022015). Collection method: clinical testing. Allele origin: germline.
Comment: This sequence change creates a premature translational stop signal (p.Gln50*) in the COG1 gene. It is expected to result in an absent or disrupted protein product. Loss-of-function variants in COG1 are known to be pathogenic (PMID: 16537452). The frequency data for this variant in the population databases is considered unreliable, as metrics indicate poor data quality at this position in the gnomAD database. This variant has not been reported in the literature in individuals affected with COG1-related conditions. ClinVar contains an entry for this variant (Variation ID: 1993367). For these reasons, this variant has been classified as Pathogenic.

Literature cited by the submitters: PubMed 16537452.